The following is an entry in ClinVar:

NM_001429.4(EP300):c.7031C>T (p.Thr2344Ile)

Gene: EP300 (EP300 lysine acetyltransferase; plus strand). Cytogenetic location: 22q13.2.
Variant type: single nucleotide variant.
Coding change: c.7031C>T on transcript NM_001429.4 (MANE Select); coding-DNA position 7031, C replaced by T.
Protein change: p.Thr2344Ile; replaces threonine 2344 with isoleucine.
Molecular consequence: missense variant.
Genome position (GRCh38, 1-based): chr22:41,178,742, C>T. VCF-style: chr22-41178742-C-T. GRCh37 (hg19) VCF-style: chr22-41574746-C-T.
Other names: c.6953C>T, p.Thr2318Ile (NM_001362843.2); short protein forms T2318I, T2344I.
Identifiers: ClinVar variation 4083277 (VCV004083277.1).

ClinVar aggregate classification (germline): Uncertain significance (1 of 4 stars; one submission).

gnomAD v4.1: 1 of 1,614,148 alleles (0.000062%); highest among the groups gnomAD compares: Non-Finnish European, 0.000085%; no homozygotes.

Submission:

GeneDx
Classification: Uncertain significance. Last evaluated: 2025-09-16. Review status: criteria provided, single submitter. Criteria: GeneDx Variant Classification Process June 2021. Collection method: clinical testing. Allele origin: germline. Affected: yes.
Comment: Not observed at significant frequency in large population cohorts (gnomAD); In silico analysis supports that this missense variant has a deleterious effect on protein structure/function; Has not been previously published as pathogenic or benign to our knowledge